The following is an entry in ClinVar:

NM_000059.4(BRCA2):c.9017dup (p.Tyr3006Ter)

Gene: BRCA2 (BRCA2 DNA repair associated; plus strand). Cytogenetic location: 13q13.1.
Variant type: Duplication.
Coding change: c.9017dup on transcript NM_000059.4 (MANE Select); coding-DNA position 9017, one base duplicated (A; older notation c.9017dupA).
Protein change: p.Tyr3006Ter; replaces tyrosine 3006 with a stop codon.
Molecular consequence: nonsense.
Genome position (GRCh38, 1-based): chr13:32,379,813, A duplicated. VCF-style (leftmost placement, unchanged base first): chr13-32379812-T-TA. GRCh37 (hg19) VCF-style: chr13-32953949-T-TA.
Other names: 9245_9246insA; short protein forms Y3006*.
Identifiers: ClinVar variation 267128 (VCV000267128.11), dbSNP rs886040810, ClinGen allele CA10589537.

ClinVar aggregate classification (germline): Pathogenic. Review status: reviewed by expert panel (3 of 4 stars). 6 submissions from 6 submitters: Pathogenic (1). 5 of the submissions do not count toward it. Last evaluated 2016-10-18.

Conditions:
Breast-ovarian cancer, familial, susceptibility to, 2 (BROVCA2). Also called: BRCA2 Hereditary Breast and Ovarian Cancer. Identifiers: Orphanet 145, MedGen C2675520, MONDO:0012933, OMIM 612555. Disease mechanism: loss of function.
Hereditary breast ovarian cancer syndrome. Also called: Hereditary breast and ovarian cancer syndrome (HBOC); Breast and ovarian cancer; Hereditary breast and ovarian cancer syndrome; Hereditary breast and ovarian cancer; BRCA1- and BRCA2-Associated Hereditary Breast and Ovarian Cancer; Hereditary breast and/or ovarian cancer syndrome. Identifiers: Orphanet 145, MedGen C0677776, MeSH D061325, MONDO:0003582. Disease mechanism: loss of function.
Breast-ovarian cancer, familial, susceptibility to, 1 (BROVCA1). Also called: BRCA1 Hereditary Breast and Ovarian Cancer; OVARIAN CANCER, SUSCEPTIBILITY TO. Identifiers: Orphanet 145, MedGen C2676676, MONDO:0011450, OMIM 604370. Disease mechanism: loss of function.

Submissions (6):

Evidence-based Network for the Interpretation of Germline Mutant Alleles (ENIGMA)
Classification: Pathogenic for Breast-ovarian cancer, familial, susceptibility to, 2. Last evaluated: 2016-10-18. Review status: reviewed by expert panel. Criteria: ENIGMA BRCA1/2 Classification Criteria (2015). Collection method: curation. Allele origin: germline.
Comment: Variant allele predicted to encode a truncated non-functional protein.

Institute of Immunology and Genetics Kaiserslautern
Classification: Pathogenic for Breast-ovarian cancer, familial, susceptibility to, 1. Last evaluated: 2026-03-25. Review status: criteria provided, single submitter. Criteria: ACMG Guidelines, 2015. Collection method: clinical testing. Allele origin: germline. Affected: yes. Not counted in ClinVar's aggregate classification.
Comment: ACMG Criteria: PVS1, PM2; Variant was found in heterozygous state.

Myriad Genetics, Inc.
Classification: Pathogenic for Breast-ovarian cancer, familial, susceptibility to, 2. Last evaluated: 2024-01-17. Review status: criteria provided, single submitter. Criteria: Myriad Autosomal Dominant, Autosomal Recessive and X-Linked Classification Criteria (2023). Collection method: clinical testing. Allele origin: unknown. Not counted in ClinVar's aggregate classification.
Comment: This variant is considered pathogenic. This variant creates a frameshift predicted to result in premature protein truncation.

Labcorp Genetics (formerly Invitae), Labcorp
Classification: Pathogenic for Hereditary breast ovarian cancer syndrome. Last evaluated: 2023-11-24. Review status: criteria provided, single submitter. Criteria: Invitae Variant Classification Sherloc (09022015). Collection method: clinical testing. Allele origin: germline. Not counted in ClinVar's aggregate classification.
Comment: This sequence change creates a premature translational stop signal (p.Tyr3006*) in the BRCA2 gene. It is expected to result in an absent or disrupted protein product. Loss-of-function variants in BRCA2 are known to be pathogenic (PMID: 20104584). This variant is not present in population databases (gnomAD no frequency). This premature translational stop signal has been observed in individual(s) with breast cancer, ovarian cancer, and prostate cancer (PMID: 12955716, 30625039). ClinVar contains an entry for this variant (Variation ID: 267128). For these reasons, this variant has been classified as Pathogenic.

Institute of Human Genetics, Clinical Exome/Genome Diagnostics Group, University Hospital Bonn
Classification: Pathogenic for Breast-ovarian cancer, familial, susceptibility to, 2. Last evaluated: 2023-01-19. Review status: criteria provided, single submitter. Criteria: ACMG Guidelines, 2015. Collection method: clinical testing. Allele origin: germline. Not counted in ClinVar's aggregate classification.

Consortium of Investigators of Modifiers of BRCA1/2 (CIMBA), c/o University of Cambridge
Classification: Pathogenic for Breast-ovarian cancer, familial, susceptibility to, 2. Last evaluated: 2015-10-02. Review status: criteria provided, single submitter. Criteria: CIMBA Mutation Classification guidelines May 2016. Collection method: clinical testing. Allele origin: germline. Not counted in ClinVar's aggregate classification.

Literature cited by the submitters: PubMed 20104584 (cited by Labcorp Genetics (formerly Invitae), Labcorp); PubMed 12955716 (cited by Labcorp Genetics (formerly Invitae), Labcorp); PubMed 30625039 (cited by Labcorp Genetics (formerly Invitae), Labcorp).